The following is an entry in ClinVar:

ClinVar aggregate classification (germline): Uncertain significance. Review status: criteria provided, multiple submitters, no conflicts (2 of 4 stars). 2 submissions from 2 submitters: Uncertain significance (2). Last evaluated 2022-01-21.

Conditions:
Hereditary cancer-predisposing syndrome. Also called: Neoplastic Syndromes, Hereditary; Hereditary Cancer Syndrome; Tumor predisposition; Hereditary neoplastic syndrome. Identifiers: Orphanet 140162, MedGen C0027672, MeSH D009386, MONDO:0015356.

Submissions (2):

Ambry Genetics
Classification: Uncertain significance for Hereditary cancer-predisposing syndrome. Last evaluated: 2022-01-21. Review status: criteria provided, single submitter. Criteria: Ambry Variant Classification Scheme 2023. Collection method: clinical testing. Allele origin: germline.
Comment: The p.S316I variant (also known as c.947G>T), located in coding exon 5 of the RET gene, results from a G to T substitution at nucleotide position 947. The serine at codon 316 is replaced by isoleucine, an amino acid with dissimilar properties. This amino acid position is not well conserved in available vertebrate species. In addition, this alteration is predicted to be tolerated by in silico analysis. Since supporting evidence is limited at this time, the clinical significance of this alteration remains unclear.

Laboratory for Molecular Medicine, Mass General Brigham Personalized Medicine
Classification: Uncertain significance. Last evaluated: 2016-08-12. Review status: criteria provided, single submitter. Criteria: LMM Criteria. Collection method: clinical testing. Allele origin: germline.
Comment: Variant identified in a genome or exome case(s) and assessed due to predicted null impact of the variant or pathogenic assertions in the literature or databases. Disclaimer: This variant has not undergone full assessment. The following are preliminary notes: Only reported in association with Hirschsprung, and even then only in 1 proband.

NM_020975.6(RET):c.947G>T (p.Ser316Ile)

Gene: RET (ret proto-oncogene; plus strand). Cytogenetic location: 10q11.21.
Variant type: single nucleotide variant.
Coding change: c.947G>T on transcript NM_020975.6 (MANE Select); coding-DNA position 947, G replaced by T.
Protein change: p.Ser316Ile; replaces serine 316 with isoleucine.
Molecular consequence: missense variant.
Genome position (GRCh38, 1-based): chr10:43,106,455, G>T. VCF-style: chr10-43106455-G-T. GRCh37 (hg19) VCF-style: chr10-43601903-G-T.
Other names: c.947G>T, p.Ser316Ile (NM_000323.2, NM_001406743.1, NM_001406744.1 and 6 more transcripts); c.185G>T, p.Ser62Ile (NM_001355216.2); c.818G>T, p.Ser273Ile (NM_001406761.1, NM_001406762.1, NM_001406764.1 and 1 more transcripts); c.659G>T, p.Ser220Ile (NM_001406766.1, NM_001406767.1, NM_001406770.1); short protein forms S316I, S62I, S220I, S273I.
Identifiers: ClinVar variation 403371 (VCV000403371.7), dbSNP rs1060499894, ClinGen allele CA16609750.